The following is an entry in ClinVar:

ClinVar aggregate classification (germline): Uncertain significance. Review status: criteria provided, multiple submitters, no conflicts (2 of 4 stars). 2 submissions from 2 submitters: Uncertain significance (2). Last evaluated 2025-05-28.

Conditions:
Inborn genetic diseases. Identifiers: MedGen C0950123, MeSH D030342.

Allele frequency attached by ClinVar (database versions not stated): ESP Exome Variant Server 0.00015; 1000 Genomes Project 30x 0.00016; 1000 Genomes Project 0.00020.
gnomAD v4.1: 12 of 1,606,116 alleles (0.00075%); highest among the groups gnomAD compares: African/African-American, 0.015%; no homozygotes.

Submissions (2):

Ambry Genetics
Classification: Uncertain significance for Inborn genetic diseases. Last evaluated: 2025-05-28. Review status: criteria provided, single submitter. Criteria: Ambry Variant Classification Scheme 2023. Collection method: clinical testing. Allele origin: germline.

Labcorp Genetics (formerly Invitae), Labcorp
Classification: Uncertain significance. Last evaluated: 2022-07-25. Review status: criteria provided, single submitter. Criteria: Invitae Variant Classification Sherloc (09022015). Collection method: clinical testing. Allele origin: germline.
Comment: This sequence change replaces serine, which is neutral and polar, with arginine, which is basic and polar, at codon 504 of the DDR2 protein (p.Ser504Arg). The frequency data for this variant in the population databases is considered unreliable, as metrics indicate poor data quality at this position in the gnomAD database. This variant has not been reported in the literature in individuals affected with DDR2-related conditions. ClinVar contains an entry for this variant (Variation ID: 1481360). Algorithms developed to predict the effect of missense changes on protein structure and function are either unavailable or do not agree on the potential impact of this missense change (SIFT: "Deleterious"; PolyPhen-2: "Benign"; Align-GVGD: "Class C0"). In summary, the available evidence is currently insufficient to determine the role of this variant in disease. Therefore, it has been classified as a Variant of Uncertain Significance.

NM_006182.4(DDR2):c.1512C>A (p.Ser504Arg)

Gene: DDR2 (discoidin domain receptor tyrosine kinase 2; plus strand). Cytogenetic location: 1q23.3.
Variant type: single nucleotide variant.
Coding change: c.1512C>A on transcript NM_006182.4 (MANE Select); coding-DNA position 1512, C replaced by A.
Protein change: p.Ser504Arg; replaces serine 504 with arginine.
Molecular consequence: missense variant.
Genome position (GRCh38, 1-based): chr1:162,772,031, C>A. VCF-style: chr1-162772031-C-A. GRCh37 (hg19) VCF-style: chr1-162741821-C-A.
Other names: c.1512C>A, p.Ser504Arg (NM_001014796.3, NM_001354982.2, NM_001354983.2); c.1512C>A (NM_006182.2); short protein forms S504R.
Identifiers: ClinVar variation 1481360 (VCV001481360.6), dbSNP rs199900233, ClinGen allele CA1217583.